The following is an entry in ClinVar:

NM_006005.3(WFS1):c.691G>A (p.Glu231Lys)

Gene: WFS1 (wolframin ER transmembrane glycoprotein; plus strand). Cytogenetic location: 4p16.1.
Variant type: single nucleotide variant.
Coding change: c.691G>A on transcript NM_006005.3 (MANE Select); coding-DNA position 691, G replaced by A.
Protein change: p.Glu231Lys; replaces glutamic acid 231 with lysine.
Molecular consequence: missense variant.
Genome position (GRCh38, 1-based): chr4:6,291,976, G>A. VCF-style: chr4-6291976-G-A. GRCh37 (hg19) VCF-style: chr4-6293703-G-A.
Other names: c.691G>A, p.Glu231Lys (NM_001145853.1); short protein forms E231K.
Identifiers: ClinVar variation 1078282 (VCV001078282.11), dbSNP rs199620178, ClinGen allele CA2838994.

ClinVar aggregate classification (germline): Conflicting classifications of pathogenicity. Review status: criteria provided, conflicting classifications (1 of 4 stars). 3 submissions from 3 submitters: Uncertain significance (2); Likely benign (1). Last evaluated 2026-04-01.

Allele frequency attached by ClinVar (database versions not stated): TOPMed 0.00002; gnomAD 0.00003 and 0.00004; gnomAD exomes 0.00008 and 0.00017; ExAC 0.00032.
gnomAD v4.1: 115 of 1,608,940 alleles (0.0071%); highest among the groups gnomAD compares: South Asian, 0.041%; no homozygotes.

Submissions (3):

GeneDx
Classification: Uncertain significance. Last evaluated: 2026-04-01. Review status: criteria provided, single submitter. Criteria: GeneDx Variant Classification Process June 2021. Collection method: clinical testing. Allele origin: germline.
Comment: In silico analysis suggests that this missense variant does not alter protein structure/function; Has not been previously published as pathogenic or benign to our knowledge

Labcorp Genetics (formerly Invitae), Labcorp
Classification: Likely benign. Last evaluated: 2024-10-26. Review status: criteria provided, single submitter. Criteria: Invitae Variant Classification Sherloc (09022015). Collection method: clinical testing. Allele origin: germline.

Blueprint Genetics
Classification: Uncertain significance. Last evaluated: 2024-02-24. Review status: criteria provided, single submitter. Criteria: ACMG Guidelines, 2015. Collection method: clinical testing. Allele origin: germline.